The following is an entry in ClinVar:

NM_000548.5(TSC2):c.3002G>T (p.Gly1001Val)

Gene: TSC2 (TSC complex subunit 2; plus strand). Cytogenetic location: 16p13.3.
Variant type: single nucleotide variant.
Coding change: c.3002G>T on transcript NM_000548.5 (MANE Select); coding-DNA position 3002, G replaced by T.
Protein change: p.Gly1001Val; replaces glycine 1001 with valine.
Molecular consequence: missense variant.
Genome position (GRCh38, 1-based): chr16:2,079,067, G>T. VCF-style: chr16-2079067-G-T. GRCh37 (hg19) VCF-style: chr16-2129068-G-T.
Other names: c.2870G>T, p.Gly957Val (NM_001077183.3, NM_001370404.1); c.3002G>T, p.Gly1001Val (NM_001114382.3); c.2762G>T, p.Gly921Val (NM_001318827.2); c.2726G>T, p.Gly909Val (NM_001318829.2); c.2270G>T, p.Gly757Val (NM_001318831.2); c.2903G>T, p.Gly968Val (NM_001318832.2); c.2873G>T, p.Gly958Val (NM_001363528.2, NM_001370405.1, NM_021055.3); short protein forms G1001V, G909V, G957V, G968V, G757V, G921V, G958V.
Identifiers: ClinVar variation 839746 (VCV000839746.13), dbSNP rs368878445, ClinGen allele CA043753.

ClinVar aggregate classification (germline): Conflicting classifications of pathogenicity. Review status: criteria provided, conflicting classifications (1 of 4 stars). 2 submissions from 2 submitters: Uncertain significance (1); Benign (1). Last evaluated 2025-06-17.

Conditions:
Hereditary cancer-predisposing syndrome. Also called: Neoplastic Syndromes, Hereditary; Hereditary neoplastic syndrome; Tumor predisposition; Hereditary Cancer Syndrome. Identifiers: Orphanet 140162, MedGen C0027672, MeSH D009386, MONDO:0015356.
Tuberous sclerosis 2 (TSC2). Identifiers: Orphanet 805, MedGen C1860707, MONDO:0013199, OMIM 613254.

Allele frequency attached by ClinVar (database versions not stated): gnomAD 0.00001; TOPMed 0.00002; ESP Exome Variant Server 0.00008.
gnomAD v4.1: 1 of 1,612,786 alleles (0.000062%); highest among the groups gnomAD compares: African/African-American, 0.0013%; no homozygotes.

Submissions (2):

Labcorp Genetics (formerly Invitae), Labcorp
Classification: Benign for Tuberous sclerosis 2. Last evaluated: 2025-06-17. Review status: criteria provided, single submitter. Criteria: Invitae Variant Classification Sherloc (09022015). Collection method: clinical testing. Allele origin: germline.

Ambry Genetics
Classification: Uncertain significance for Hereditary cancer-predisposing syndrome. Last evaluated: 2024-03-24. Review status: criteria provided, single submitter. Criteria: Ambry Variant Classification Scheme 2023. Collection method: clinical testing. Allele origin: germline.
Comment: The p.G1001V variant (also known as c.3002G>T), located in coding exon 26 of the TSC2 gene, results from a G to T substitution at nucleotide position 3002. The glycine at codon 1001 is replaced by valine, an amino acid with dissimilar properties. This amino acid position is highly conserved in available vertebrate species. In addition, this alteration is predicted to be deleterious by in silico analysis. Since supporting evidence is limited at this time, the clinical significance of this alteration remains unclear.